The following is an entry in ClinVar:

NM_000179.3(MSH6):c.1708A>G (p.Ile570Val)

Gene: MSH6 (mutS homolog 6; plus strand). Cytogenetic location: 2p16.3.
Variant type: single nucleotide variant.
Coding change: c.1708A>G on transcript NM_000179.3 (MANE Select); coding-DNA position 1708, A replaced by G.
Protein change: p.Ile570Val; replaces isoleucine 570 with valine.
Molecular consequence: missense variant.
Genome position (GRCh38, 1-based): chr2:47,799,691, A>G. VCF-style: chr2-47799691-A-G. GRCh37 (hg19) VCF-style: chr2-48026830-A-G.
Other names: c.1318A>G, p.Ile440Val (NM_001281492.2); c.802A>G, p.Ile268Val (NM_001281493.2, NM_001281494.2); short protein forms I570V, I440V, I268V.
Identifiers: ClinVar variation 220633 (VCV000220633.19), dbSNP rs61748081, ClinGen allele CA068049.

ClinVar aggregate classification (germline): Conflicting classifications of pathogenicity. Review status: criteria provided, conflicting classifications (1 of 4 stars). 6 submissions from 6 submitters: Uncertain significance (4); Benign (1); Likely benign (1). Last evaluated 2025-10-15.

Conditions:
Hereditary nonpolyposis colorectal neoplasms. Identifiers: MedGen C0009405, MeSH D003123.
Lynch syndrome 5 (LYNCH5). Also called: Colorectal cancer, hereditary nonpolyposis, type 5; Hereditary non-polyposis colorectal cancer, type 5. Identifiers: Orphanet 144, MedGen C1833477, MONDO:0013710, OMIM 614350. Disease mechanism: loss of function.
Endometrial carcinoma. Also called: Endometrial carcinoma, somatic. Identifiers: MedGen C0476089, MONDO:0002447, OMIM 608089, HP:0012114.
Mismatch repair cancer syndrome 3. Identifiers: MedGen C5436807, MONDO:0030841, OMIM 619097.
Hereditary cancer-predisposing syndrome. Also called: Hereditary neoplastic syndrome; Tumor predisposition; Hereditary Cancer Syndrome; Neoplastic Syndromes, Hereditary. Identifiers: Orphanet 140162, MedGen C0027672, MeSH D009386, MONDO:0015356.
Lynch syndrome. Identifiers: Orphanet 144, MedGen C4552100, MONDO:0005835. Disease mechanism: loss of function.

Allele frequency attached by ClinVar (database versions not stated): gnomAD exomes below 0.00001 and 0.00001; ExAC 0.00001; gnomAD 0.00001; TOPMed 0.00001; ESP Exome Variant Server 0.00008.

Submissions (6):

Labcorp Genetics (formerly Invitae), Labcorp
Classification: Benign for Hereditary nonpolyposis colorectal neoplasms. Last evaluated: 2025-10-15. Review status: criteria provided, single submitter. Criteria: Invitae Variant Classification Sherloc (09022015). Collection method: clinical testing. Allele origin: germline.

Women's Health and Genetics/Laboratory Corporation of America, LabCorp
Classification: Uncertain significance. Last evaluated: 2025-02-10. Review status: criteria provided, single submitter. Criteria: LabCorp Variant Classification Summary - May 2015. Collection method: clinical testing. Allele origin: germline.
Comment: Variant summary: MSH6 c.1708A>G (p.Ile570Val) results in a conservative amino acid change in the encoded protein sequence. Four of five in-silico tools predict a benign effect of the variant on protein function. The variant allele was found at a frequency of 8e-06 in 250270 control chromosomes (gnomAD). The available data on variant occurrences in the general population are insufficient to allow any conclusion about variant significance. c.1708A>G has been reported in the literature in an individual affected with breast cancer (Dorling_2021). This report does not provide unequivocal conclusions about association of the variant with Lynch Syndrome. To our knowledge, no experimental evidence demonstrating an impact on protein function has been reported. The following publication has been ascertained in the context of this evaluation (PMID: 33471991). ClinVar contains an entry for this variant (Variation ID: 220633). Based on the evidence outlined above, the variant was classified as uncertain significance.

All of Us Research Program, National Institutes of Health
Classification: Uncertain significance for Lynch syndrome. Last evaluated: 2024-06-17. Review status: criteria provided, single submitter. Criteria: ACMG Guidelines, 2015. Collection method: clinical testing. Allele origin: germline. Inheritance: Autosomal dominant inheritance. Observed: 2 variant alleles, 2 heterozygotes.
Comment: This missense variant replaces isoleucine with valine at codon 570 of the MSH6 protein. Computational prediction suggests that this variant may not impact protein structure and function (internally defined REVEL score threshold <= 0.5, PMID: 27666373). To our knowledge, functional studies have not been reported for this variant. This variant has not been reported in individuals affected with MSH6-related disorders in the literature. This variant has been identified in 2/250270 chromosomes in the general population by the Genome Aggregation Database (gnomAD). The available evidence is insufficient to determine the role of this variant in disease conclusively. Therefore, this variant is classified as a Variant of Uncertain Significance.

This study involves interpretation of variants in research participants for the purpose of population health screening. Participant phenotype was not available at the time of variant classification. Additional details can be found in publication PMID: 35346344, PMCID: PMC8962531

Color Diagnostics, LLC DBA Color Health
Classification: Uncertain significance for Hereditary cancer-predisposing syndrome. Last evaluated: 2024-06-04. Review status: criteria provided, single submitter. Criteria: ACMG Guidelines, 2015. Collection method: clinical testing. Allele origin: germline.
Comment: This missense variant replaces isoleucine with valine at codon 570 of the MSH6 protein. Computational prediction suggests that this variant may not impact protein structure and function (internally defined REVEL score threshold <= 0.5, PMID: 27666373). To our knowledge, functional studies have not been reported for this variant. This variant has not been reported in individuals affected with MSH6-related disorders in the literature. This variant has been identified in 2/250270 chromosomes in the general population by the Genome Aggregation Database (gnomAD). The available evidence is insufficient to determine the role of this variant in disease conclusively. Therefore, this variant is classified as a Variant of Uncertain Significance.

Fulgent Genetics
Classification: Uncertain significance for Endometrial carcinoma; Lynch syndrome 5; Mismatch repair cancer syndrome 3. Last evaluated: 2024-01-22. Review status: criteria provided, single submitter. Criteria: ACMG Guidelines, 2015. Collection method: clinical testing. Allele origin: germline.

Ambry Genetics
Classification: Likely benign for Hereditary cancer-predisposing syndrome. Last evaluated: 2024-01-16. Review status: criteria provided, single submitter. Criteria: Ambry Variant Classification Scheme 2023. Collection method: clinical testing. Allele origin: germline.

Literature cited by the submitters: PubMed 33471991 (cited by Women's Health and Genetics/Laboratory Corporation of America, LabCorp).